The following is an entry in ClinVar:

NM_014727.3(KMT2B):c.487C>T (p.Pro163Ser)

Gene: KMT2B (lysine methyltransferase 2B; plus strand). Cytogenetic location: 19q13.12.
Variant type: single nucleotide variant.
Coding change: c.487C>T on transcript NM_014727.3 (MANE Select); coding-DNA position 487, C replaced by T.
Protein change: p.Pro163Ser; replaces proline 163 with serine.
Molecular consequence: missense variant.
Genome position (GRCh38, 1-based): chr19:35,719,834, C>T. VCF-style: chr19-35719834-C-T. GRCh37 (hg19) VCF-style: chr19-36210736-C-T.
Other names: short protein forms P163S.
Identifiers: ClinVar variation 3373127 (VCV003373127.4).
Genomic context (GRCh38, chr19:35,719,834, plus strand): 5'-CTCCTTTTAGGTCGAGCGCCCCGAGGTCGGGGTCGCAAGCATAAGACGACCCCCCTTCCT[C>T]CTCCTCGCCTAGCAGATGTGGCTCCTACCCCCCCAAAGACCCCTGCCCGGAAACGGGGTG-3'
Protein context (NP_055542.1, residues 153-173): GRKHKTTPLP[Pro163Ser]PRLADVAPTP

ClinVar aggregate classification (germline): Uncertain significance. Review status: criteria provided, multiple submitters, no conflicts (2 of 4 stars). 2 submissions from 2 submitters: Uncertain significance (2). Last evaluated 2025-03-23.

Submissions (2):

GeneDx
Classification: Uncertain significance. Last evaluated: 2025-03-23. Review status: criteria provided, single submitter. Criteria: GeneDx Variant Classification Process June 2021. Collection method: clinical testing. Allele origin: germline. Affected: yes.
Comment: Not observed at significant frequency in large population cohorts (gnomAD); In silico analysis indicates that this missense variant does not alter protein structure/function; Has not been previously published as pathogenic or benign to our knowledge; In silico analysis suggests this variant may impact gene splicing. In the absence of RNA/functional studies, the actual effect of this sequence change is unknown.

Labcorp Genetics (formerly Invitae), Labcorp
Classification: Uncertain significance. Last evaluated: 2024-04-29. Review status: criteria provided, single submitter. Criteria: Invitae Variant Classification Sherloc (09022015). Collection method: clinical testing. Allele origin: germline.
Comment: This sequence change replaces proline, which is neutral and non-polar, with serine, which is neutral and polar, at codon 163 of the KMT2B protein (p.Pro163Ser). This variant is not present in population databases (gnomAD no frequency). This variant has not been reported in the literature in individuals affected with KMT2B-related conditions. Advanced modeling of protein sequence and biophysical properties (such as structural, functional, and spatial information, amino acid conservation, physicochemical variation, residue mobility, and thermodynamic stability) performed at Invitae indicates that this missense variant is not expected to disrupt KMT2B protein function with a negative predictive value of 95%. In summary, the available evidence is currently insufficient to determine the role of this variant in disease. Therefore, it has been classified as a Variant of Uncertain Significance.